The following is an entry in ClinVar:

ClinVar aggregate classification (germline): Conflicting classifications of pathogenicity. Review status: criteria provided, conflicting classifications (1 of 4 stars). 3 submissions from 3 submitters: Uncertain significance (1); Likely benign (2). Last evaluated 2024-06-20.

Allele frequency attached by ClinVar (database versions not stated): 1000 Genomes Project 30x 0.00016.
gnomAD v4.1: 73 of 1,613,344 alleles (0.0045%); highest among the groups gnomAD compares: South Asian, 0.052%; no homozygotes.

Submissions (3):

Athena Diagnostics
Classification: Likely benign. Last evaluated: 2024-06-20. Review status: criteria provided, single submitter. Criteria: Athena Diagnostics Criteria. Collection method: clinical testing. Allele origin: unknown.

Blueprint Genetics
Classification: Likely benign. Last evaluated: 2023-09-26. Review status: criteria provided, single submitter. Criteria: ACMG Guidelines, 2015. Collection method: clinical testing. Allele origin: germline.

Labcorp Genetics (formerly Invitae), Labcorp
Classification: Uncertain significance. Last evaluated: 2022-11-20. Review status: criteria provided, single submitter. Criteria: Invitae Variant Classification Sherloc (09022015). Collection method: clinical testing. Allele origin: germline.
Comment: This variant is present in population databases (rs56039839, gnomAD 0.05%), and has an allele count higher than expected for a pathogenic variant. In summary, the available evidence is currently insufficient to determine the role of this variant in disease. Therefore, it has been classified as a Variant of Uncertain Significance. Advanced modeling of protein sequence and biophysical properties (such as structural, functional, and spatial information, amino acid conservation, physicochemical variation, residue mobility, and thermodynamic stability) performed at Invitae indicates that this missense variant is not expected to disrupt TTBK2 protein function. This variant has not been reported in the literature in individuals affected with TTBK2-related conditions. This sequence change replaces arginine, which is basic and polar, with histidine, which is basic and polar, at codon 500 of the TTBK2 protein (p.Arg500His).

NM_173500.4(TTBK2):c.1499G>A (p.Arg500His)

Gene: TTBK2 (tau tubulin kinase 2; minus strand). Cytogenetic location: 15q15.2.
Variant type: single nucleotide variant.
Coding change: c.1499G>A on transcript NM_173500.4 (MANE Select); coding-DNA position 1499, G replaced by A.
Protein change: p.Arg500His; replaces arginine 500 with histidine.
Molecular consequence: missense variant.
Genome position (GRCh38, 1-based): chr15:42,775,634, C>T on the plus strand (G>A on the coding strand, the complement: TTBK2 is on the minus strand). VCF-style: chr15-42775634-C-T. GRCh37 (hg19) VCF-style: chr15-43067832-C-T.
Other names: short protein forms R500H.
Identifiers: ClinVar variation 2891137 (VCV002891137.5), dbSNP rs56039839, ClinGen allele CA7516877.